The following is an entry in ClinVar:

ClinVar aggregate classification (germline): Conflicting classifications of pathogenicity. Review status: criteria provided, conflicting classifications (1 of 4 stars). 2 submissions from 2 submitters: Uncertain significance (1); Likely benign (1). Last evaluated 2025-03-04.

Conditions:
Cardiovascular phenotype. Identifiers: MedGen CN230736.
Alstrom syndrome (ALMS). Identifiers: Orphanet 64, MedGen C0268425, MONDO:0008763, OMIM 203800.

Submissions (2):

Ambry Genetics
Classification: Likely benign for Cardiovascular phenotype. Last evaluated: 2025-03-04. Review status: criteria provided, single submitter. Criteria: Ambry Variant Classification Scheme 2023. Collection method: clinical testing. Allele origin: germline.

Labcorp Genetics (formerly Invitae), Labcorp
Classification: Uncertain significance for Alstrom syndrome. Last evaluated: 2022-01-26. Review status: criteria provided, single submitter. Criteria: Invitae Variant Classification Sherloc (09022015). Collection method: clinical testing. Allele origin: germline.
Comment: In summary, the available evidence is currently insufficient to determine the role of this variant in disease. Therefore, it has been classified as a Variant of Uncertain Significance. Experimental studies and prediction algorithms are not available or were not evaluated, and the functional significance of this variant is currently unknown. This variant has not been reported in the literature in individuals affected with ALMS1-related conditions. This variant is not present in population databases (gnomAD no frequency). This sequence change replaces serine, which is neutral and polar, with cysteine, which is neutral and slightly polar, at codon 2966 of the ALMS1 protein (p.Ser2966Cys).

NM_001378454.1(ALMS1):c.8894C>G (p.Ser2965Cys)

Gene: ALMS1 (ALMS1 centrosome and basal body associated protein; plus strand). Cytogenetic location: 2p13.1.
Variant type: single nucleotide variant.
Coding change: c.8894C>G on transcript NM_001378454.1 (MANE Select); coding-DNA position 8894, C replaced by G.
Protein change: p.Ser2965Cys; replaces serine 2965 with cysteine.
Molecular consequence: missense variant.
Genome position (GRCh38, 1-based): chr2:73,490,853, C>G. VCF-style: chr2-73490853-C-G. GRCh37 (hg19) VCF-style: chr2-73717980-C-G.
Other names: c.8897C>G, p.Ser2966Cys (NM_015120.4); short protein forms S2965C, S2966C.
Identifiers: ClinVar variation 1391323 (VCV001391323.5), dbSNP rs2103893808, ClinGen allele CA347271278.